The following is an entry in ClinVar:

ClinVar aggregate classification (germline): Uncertain significance (1 of 4 stars; one submission).

Conditions:
Emery-Dreifuss muscular dystrophy 5, autosomal dominant (EDMD5). Also called: EMERY-DREIFUSS MUSCULAR DYSTROPHY 5. Identifiers: Orphanet 261, MedGen C2751805, MONDO:0013072, OMIM 612999.

Allele frequency attached by ClinVar (database versions not stated): gnomAD exomes below 0.00001; TOPMed 0.00001.
gnomAD v4.1: 4 of 1,612,440 alleles (0.00025%); highest among the groups gnomAD compares: Non-Finnish European, 0.00034%; no homozygotes.

Submission:

Labcorp Genetics (formerly Invitae), Labcorp
Classification: Uncertain significance for Emery-Dreifuss muscular dystrophy 5, autosomal dominant. Last evaluated: 2025-08-01. Review status: criteria provided, single submitter. Criteria: Invitae Variant Classification Sherloc (09022015). Collection method: clinical testing. Allele origin: germline.
Comment: This sequence change creates a premature translational stop signal (p.Ser1469*) in the SYNE2 gene. It is expected to result in an absent or disrupted protein product. However, the current clinical and genetic evidence is not sufficient to establish whether loss-of-function variants in SYNE2 cause disease. This variant is not present in population databases (gnomAD no frequency). This variant has not been reported in the literature in individuals affected with SYNE2-related conditions. ClinVar contains an entry for this variant (Variation ID: 1523224). In summary, the available evidence is currently insufficient to determine the role of this variant in disease. Therefore, it has been classified as a Variant of Uncertain Significance.

NM_182914.3(SYNE2):c.4406C>G (p.Ser1469Ter)

Gene: SYNE2 (spectrin repeat containing nuclear envelope protein 2; plus strand). Cytogenetic location: 14q23.2.
Variant type: single nucleotide variant.
Coding change: c.4406C>G on transcript NM_182914.3 (MANE Select); coding-DNA position 4406, C replaced by G.
Protein change: p.Ser1469Ter; replaces serine 1469 with a stop codon.
Molecular consequence: nonsense.
Genome position (GRCh38, 1-based): chr14:64,007,051, C>G. VCF-style: chr14-64007051-C-G. GRCh37 (hg19) VCF-style: chr14-64473769-C-G.
Other names: c.4406C>G, p.Ser1469Ter (NM_015180.6); short protein forms S1469*.
Identifiers: ClinVar variation 1523224 (VCV001523224.6), dbSNP rs1191099437, ClinGen allele CA389934868.